The following is an entry in ClinVar:

ClinVar aggregate classification (germline): Uncertain significance (1 of 4 stars; one submission).

Allele frequency attached by ClinVar (database versions not stated): gnomAD exomes below 0.00001 and 0.00002; TOPMed 0.00002; gnomAD 0.00003.
gnomAD v4.1: 13 of 1,613,972 alleles (0.00081%); highest among the groups gnomAD compares: Admixed American, 0.0083%; no homozygotes.

Submission:

Labcorp Genetics (formerly Invitae), Labcorp
Classification: Uncertain significance. Last evaluated: 2024-11-11. Review status: criteria provided, single submitter. Criteria: Invitae Variant Classification Sherloc (09022015). Collection method: clinical testing. Allele origin: germline.
Comment: This sequence change replaces arginine, which is basic and polar, with cysteine, which is neutral and slightly polar, at codon 885 of the OPA1 protein (p.Arg885Cys). This variant is present in population databases (no rsID available, gnomAD 0.01%). This variant has not been reported in the literature in individuals affected with OPA1-related conditions. ClinVar contains an entry for this variant (Variation ID: 1497373). Invitae Evidence Modeling of protein sequence and biophysical properties (such as structural, functional, and spatial information, amino acid conservation, physicochemical variation, residue mobility, and thermodynamic stability) indicates that this missense variant is expected to disrupt OPA1 protein function with a positive predictive value of 80%. Algorithms developed to predict the effect of sequence changes on RNA splicing suggest that this variant may disrupt the consensus splice site. In summary, the available evidence is currently insufficient to determine the role of this variant in disease. Therefore, it has been classified as a Variant of Uncertain Significance.

NM_130837.3(OPA1):c.2818C>T (p.Arg940Cys)

Gene: OPA1 (OPA1 mitochondrial dynamin like GTPase; plus strand). Cytogenetic location: 3q29.
Variant type: single nucleotide variant.
Coding change: c.2818C>T on transcript NM_130837.3 (MANE Select); coding-DNA position 2818, C replaced by T.
Protein change: p.Arg940Cys; replaces arginine 940 with cysteine.
Molecular consequence: missense variant.
Genome position (GRCh38, 1-based): chr3:193,666,335, C>T. VCF-style: chr3-193666335-C-T. GRCh37 (hg19) VCF-style: chr3-193384124-C-T.
Other names: c.2284C>T, p.Arg762Cys (NM_001354663.2); c.2281C>T, p.Arg761Cys (NM_001354664.2); c.2653C>T, p.Arg885Cys (NM_015560.3); c.2545C>T, p.Arg849Cys (NM_130831.3); c.2599C>T, p.Arg867Cys (NM_130832.3); c.2656C>T, p.Arg886Cys (NM_130833.3); c.2707C>T, p.Arg903Cys (NM_130834.3); c.2710C>T, p.Arg904Cys (NM_130835.3); and 1 more; short protein forms R849C, R762C, R922C, R761C, R885C, R903C, R867C, R886C.
Identifiers: ClinVar variation 1497373 (VCV001497373.6), dbSNP rs927450242, ClinGen allele CA90557373.